The following is an entry in ClinVar:

ClinVar aggregate classification (germline): Uncertain significance (1 of 4 stars; one submission).

Conditions:
Dyskeratosis congenita. Identifiers: Orphanet 1775, MedGen C0265965, MONDO:0015780.

gnomAD v4.1: 5 of 1,614,182 alleles (0.00031%); highest among the groups gnomAD compares: South Asian, 0.0022%; no homozygotes.

Submission:

Labcorp Genetics (formerly Invitae), Labcorp
Classification: Uncertain significance for Dyskeratosis congenita. Last evaluated: 2021-08-17. Review status: criteria provided, single submitter. Criteria: Invitae Variant Classification Sherloc (09022015). Collection method: clinical testing. Allele origin: germline.
Comment: This sequence change replaces proline with alanine at codon 431 of the TINF2 protein (p.Pro431Ala). The proline residue is moderately conserved and there is a small physicochemical difference between proline and alanine. This variant is not present in population databases (ExAC no frequency). This variant has not been reported in the literature in individuals affected with TINF2-related conditions. Algorithms developed to predict the effect of missense changes on protein structure and function output the following: SIFT: "Tolerated"; PolyPhen-2: "Benign"; Align-GVGD: "Class C0". The alanine amino acid residue is found in multiple mammalian species, which suggests that this missense change does not adversely affect protein function. In summary, the available evidence is currently insufficient to determine the role of this variant in disease. Therefore, it has been classified as a Variant of Uncertain Significance.

NM_001099274.3(TINF2):c.1291C>G (p.Pro431Ala)

Gene: TINF2 (TERF1 interacting nuclear factor 2; minus strand). Cytogenetic location: 14q12.
Variant type: single nucleotide variant.
Coding change: c.1291C>G on transcript NM_001099274.3 (MANE Select); coding-DNA position 1291, C replaced by G.
Protein change: p.Pro431Ala; replaces proline 431 with alanine.
Molecular consequence: missense variant. On other transcripts: 3 prime UTR variant (1).
Genome position (GRCh38, 1-based): chr14:24,239,862, G>C on the plus strand (C>G on the coding strand, the complement: TINF2 is on the minus strand). VCF-style: chr14-24239862-G-C. GRCh37 (hg19) VCF-style: chr14-24709068-G-C.
Other names: c.1186C>G, p.Pro396Ala (NM_001363668.2); c.*553C>G (NM_012461.3); short protein forms P396A, P431A.
Identifiers: ClinVar variation 1443232 (VCV001443232.6), dbSNP rs756840009, ClinGen allele CA389219805.
Genomic context (GRCh38, chr14:24,239,862, plus strand): 5'-AAGGTCTAGAACTGTCTCTACAGTCACAGGAAGAAACAGGTATGGCACCGTGGCCAGAAG[G>C]GGGTAGGTATTCACAGAGAGTGGGTATCAAGGTGTCAAACTTTGTCTTCTGATAGTTTTC-3'
Protein context (NP_001092744.1, residues 421-441): LIPTLCEYLP[Pro431Ala]SGHGAIPVSS